The following is an entry in ClinVar:

ClinVar aggregate classification (germline): Uncertain significance (1 of 4 stars; one submission).

Conditions:
POLD1-related polyposis and colorectal cancer syndrome (CRCS10). Also called: Colorectal cancer 10; COLORECTAL CANCER, SUSCEPTIBILITY TO, ON CHROMOSOME 19q; Colorectal cancer, susceptibility to, 10. Identifiers: Orphanet 220460, MedGen C2675481, MONDO:0012953, OMIM 612591.

Submission:

Labcorp Genetics (formerly Invitae), Labcorp
Classification: Uncertain significance for POLD1-related polyposis and colorectal cancer syndrome. Last evaluated: 2024-02-17. Review status: criteria provided, single submitter. Criteria: Invitae Variant Classification Sherloc (09022015). Collection method: clinical testing. Allele origin: germline.
Comment: This sequence change falls in intron 19 of the POLD1 gene. It does not directly change the encoded amino acid sequence of the POLD1 protein. It affects a nucleotide within the consensus splice site. This variant is not present in population databases (gnomAD no frequency). This variant has not been reported in the literature in individuals affected with POLD1-related conditions. Variants that disrupt the consensus splice site are a relatively common cause of aberrant splicing (PMID: 17576681, 9536098). Algorithms developed to predict the effect of sequence changes on RNA splicing suggest that this variant is not likely to affect RNA splicing. In summary, the available evidence is currently insufficient to determine the role of this variant in disease. Therefore, it has been classified as a Variant of Uncertain Significance.

Literature cited by the submitters: PubMed 17576681; PubMed 9536098.

NM_002691.4(POLD1):c.2388+3G>C

Gene: POLD1 (DNA polymerase delta 1, catalytic subunit; plus strand). Cytogenetic location: 19q13.33.
Variant type: single nucleotide variant.
Coding change: c.2388+3G>C on transcript NM_002691.4 (MANE Select); 3 bases into the intron after coding-DNA position 2388, G replaced by C.
Molecular consequence: intron variant.
Genome position (GRCh38, 1-based): chr19:50,413,882, G>C. VCF-style: chr19-50413882-G-C. GRCh37 (hg19) VCF-style: chr19-50917139-G-C.
Other names: c.2388+3G>C (NM_001256849.1); c.2466+3G>C (NM_001308632.1).
Identifiers: ClinVar variation 3641747 (VCV003641747.2).
Genomic context (GRCh38, chr19:50,413,882, plus strand): 5'-GGCCGCGGACTGGGTGTCAGGTCACTTCCCGTCGCCCATCCGGCTGGAGTTTGAGAAGGT[G>C]CGTGGCTGGGTCAGGGGCTCTGCATTTAGGTGCCCTCATCAGGGTACTCAGGGTGTCCCG-3'